The following is an entry in ClinVar:

NM_006231.4(POLE):c.3742A>G (p.Thr1248Ala)

Gene: POLE (DNA polymerase epsilon, catalytic subunit; minus strand). Cytogenetic location: 12q24.33.
Variant type: single nucleotide variant.
Coding change: c.3742A>G on transcript NM_006231.4 (MANE Select); coding-DNA position 3742, A replaced by G.
Protein change: p.Thr1248Ala; replaces threonine 1248 with alanine.
Molecular consequence: missense variant.
Genome position (GRCh38, 1-based): chr12:132,649,730, T>C on the plus strand (A>G on the coding strand, the complement: POLE is on the minus strand). VCF-style: chr12-132649730-T-C. GRCh37 (hg19) VCF-style: chr12-133226316-T-C.
Other names: short protein forms T1248A.
Identifiers: ClinVar variation 1734486 (VCV001734486.5), dbSNP rs2042377104, ClinGen allele CA387386201.

ClinVar aggregate classification (germline): Uncertain significance. Review status: criteria provided, multiple submitters, no conflicts (2 of 4 stars). 2 submissions from 2 submitters: Uncertain significance (2). Last evaluated 2025-10-09.

Conditions:
Hereditary cancer-predisposing syndrome. Also called: Neoplastic Syndromes, Hereditary; Tumor predisposition; Hereditary Cancer Syndrome; Hereditary neoplastic syndrome. Identifiers: Orphanet 140162, MedGen C0027672, MeSH D009386, MONDO:0015356.

Submissions (2):

Ambry Genetics
Classification: Uncertain significance for Hereditary cancer-predisposing syndrome. Last evaluated: 2025-10-09. Review status: criteria provided, single submitter. Criteria: Ambry Variant Classification Scheme 2023. Collection method: clinical testing. Allele origin: germline.
Comment: The p.T1248A variant (also known as c.3742A>G), located in coding exon 30 of the POLE gene, results from an A to G substitution at nucleotide position 3742. The threonine at codon 1248 is replaced by alanine, an amino acid with similar properties. This amino acid position is conserved. In addition, this alteration is predicted to be tolerated by in silico analysis. Since supporting evidence is limited at this time, the clinical significance of this alteration remains unclear.

Labcorp Genetics (formerly Invitae), Labcorp
Classification: Uncertain significance. Last evaluated: 2025-01-30. Review status: criteria provided, single submitter. Criteria: Invitae Variant Classification Sherloc (09022015). Collection method: clinical testing. Allele origin: germline.
Comment: This sequence change replaces threonine, which is neutral and polar, with alanine, which is neutral and non-polar, at codon 1248 of the POLE protein (p.Thr1248Ala). This variant is not present in population databases (gnomAD no frequency). This variant has not been reported in the literature in individuals affected with POLE-related conditions. ClinVar contains an entry for this variant (Variation ID: 1734486). Invitae Evidence Modeling of protein sequence and biophysical properties (such as structural, functional, and spatial information, amino acid conservation, physicochemical variation, residue mobility, and thermodynamic stability) indicates that this missense variant is not expected to disrupt POLE protein function with a negative predictive value of 80%. In summary, the available evidence is currently insufficient to determine the role of this variant in disease. Therefore, it has been classified as a Variant of Uncertain Significance.